The following is an entry in ClinVar:

ClinVar aggregate classification (germline): Uncertain significance. Review status: criteria provided, multiple submitters, no conflicts (2 of 4 stars). 6 submissions from 2 submitters: Uncertain significance (6). Last evaluated 2026-03-17.

Conditions:
Inborn genetic diseases. Identifiers: MedGen C0950123, MeSH D030342.
Brachydactyly. Also called: Brachydactyly syndrome; Brachydactyly (disease). Identifiers: MedGen C0221357, MONDO:0021004, HP:0001156.
Acromesomelic dysplasia 2C, Hunter-Thompson type. Also called: Acromesomelic dysplasia, Hunter-Thompson type. Identifiers: Orphanet 968, MedGen C2930970, MONDO:0008717, OMIM 201250.
Grebe syndrome. Also called: GREBE DYSPLASIA; ACROMESOMELIC DYSPLASIA 2A; ACROMESOMELIC DYSPLASIA, GREBE TYPE. Identifiers: Orphanet 2098, MedGen C0265260, MONDO:0008703, OMIM 200700.
Acromesomelic dysplasia 2B. Also called: DU PAN SYNDROME. Identifiers: Orphanet 2639, MedGen C1856738, MONDO:0009231, OMIM 228900.
Multiple synostoses syndrome 2 (SYNS2). Identifiers: Orphanet 3237, MedGen C1832708, MONDO:0012394, OMIM 610017.

Allele frequency attached by ClinVar (database versions not stated): gnomAD exomes 0.00001 and below 0.00001; ExAC below 0.00001; gnomAD 0.00001; TOPMed 0.00001.
gnomAD v4.1: 4 of 1,613,878 alleles (0.00025%); no homozygotes.

Submissions (6):

Ambry Genetics
Classification: Uncertain significance for Inborn genetic diseases. Last evaluated: 2026-03-17. Review status: criteria provided, single submitter. Criteria: Ambry Variant Classification Scheme 2023. Collection method: clinical testing. Allele origin: germline.
Comment: The c.226G>T (p.A76S) alteration is located in exon 1 (coding exon 1) of the GDF5 gene. This alteration results from a G to T substitution at nucleotide position 226, causing the alanine (A) at amino acid position 76 to be replaced by a serine (S). Based on data from gnomAD, the T allele has an overall frequency of <0.001% (1/250612) total alleles studied. The highest observed frequency was <0.001% (/) of alleles. Based on insufficient or conflicting evidence, the clinical significance of this alteration remains unclear.

Illumina Laboratory Services, Illumina
Classification: Uncertain significance for Fibular hypoplasia and complex brachydactyly. Last evaluated: 2018-01-13. Review status: criteria provided, single submitter. Criteria: ICSL Variant Classification Criteria 13 December 2019. Collection method: clinical testing. Allele origin: germline.

Illumina Laboratory Services, Illumina
Classification: Uncertain significance for Multiple synostoses syndrome 2. Last evaluated: 2018-01-13. Review status: criteria provided, single submitter. Criteria: ICSL Variant Classification Criteria 13 December 2019. Collection method: clinical testing. Allele origin: germline.

Illumina Laboratory Services, Illumina
Classification: Uncertain significance for Brachydactyly. Last evaluated: 2018-01-13. Review status: criteria provided, single submitter. Criteria: ICSL Variant Classification Criteria 13 December 2019. Collection method: clinical testing. Allele origin: germline.

Illumina Laboratory Services, Illumina
Classification: Uncertain significance for Acromesomelic dysplasia 2C, Hunter-Thompson type. Last evaluated: 2018-01-13. Review status: criteria provided, single submitter. Criteria: ICSL Variant Classification Criteria 13 December 2019. Collection method: clinical testing. Allele origin: germline.

Illumina Laboratory Services, Illumina
Classification: Uncertain significance for Grebe syndrome. Last evaluated: 2018-01-13. Review status: criteria provided, single submitter. Criteria: ICSL Variant Classification Criteria 13 December 2019. Collection method: clinical testing. Allele origin: germline.

NM_000557.5(GDF5):c.226G>T (p.Ala76Ser)

Gene: GDF5 (growth differentiation factor 5; minus strand). Cytogenetic location: 20q11.22.
Variant type: single nucleotide variant.
Coding change: c.226G>T on transcript NM_000557.5 (MANE Select); coding-DNA position 226, G replaced by T.
Protein change: p.Ala76Ser; replaces alanine 76 with serine.
Molecular consequence: missense variant.
Genome position (GRCh38, 1-based): chr20:35,437,703, C>A on the plus strand (G>T on the coding strand, the complement: GDF5 is on the minus strand). VCF-style: chr20-35437703-C-A. GRCh37 (hg19) VCF-style: chr20-34025483-C-A.
Other names: c.226G>T, p.Ala76Ser (NM_001319138.2); short protein forms A76S.
Identifiers: ClinVar variation 895672 (VCV000895672.5), dbSNP rs768978933, ClinGen allele CA9832394.